The following is an entry in ClinVar:

NM_002439.5(MSH3):c.3335C>T (p.Thr1112Met)

Gene: MSH3 (mutS homolog 3; plus strand). Cytogenetic location: 5q14.1.
Variant type: single nucleotide variant.
Coding change: c.3335C>T on transcript NM_002439.5 (MANE Select); coding-DNA position 3335, C replaced by T.
Protein change: p.Thr1112Met; replaces threonine 1112 with methionine.
Molecular consequence: missense variant.
Genome position (GRCh38, 1-based): chr5:80,875,783, C>T. VCF-style: chr5-80875783-C-T. GRCh37 (hg19) VCF-style: chr5-80171602-C-T.
Other names: short protein forms T1112M.
Identifiers: ClinVar variation 661554 (VCV000661554.21), dbSNP rs576204286, ClinGen allele CA3328523.

ClinVar aggregate classification (germline): Conflicting classifications of pathogenicity. Review status: criteria provided, conflicting classifications (1 of 4 stars). 7 submissions from 7 submitters: Uncertain significance (4); Likely benign (2). 1 of the submissions does not count toward it. Last evaluated 2026-01-22.

Conditions:
Hereditary cancer-predisposing syndrome. Also called: Neoplastic Syndromes, Hereditary; Hereditary Cancer Syndrome; Tumor predisposition; Hereditary neoplastic syndrome. Identifiers: Orphanet 140162, MedGen C0027672, MeSH D009386, MONDO:0015356.
MSH3-related disorder. Also called: MSH3-related condition.

Allele frequency attached by ClinVar (database versions not stated): gnomAD 0.00001; TOPMed 0.00003; ExAC 0.00008; gnomAD exomes 0.00009; 1000 Genomes Project 30x 0.00016; 1000 Genomes Project 0.00020.
gnomAD v4.1: 36 of 1,613,520 alleles (0.0022%); highest among the groups gnomAD compares: East Asian, 0.045%; no homozygotes.

Submissions (7):

Labcorp Genetics (formerly Invitae), Labcorp
Classification: Uncertain significance. Last evaluated: 2026-01-22. Review status: criteria provided, single submitter. Criteria: Invitae Variant Classification Sherloc (09022015). Collection method: clinical testing. Allele origin: germline.
Comment: This sequence change replaces threonine, which is neutral and polar, with methionine, which is neutral and non-polar, at codon 1112 of the MSH3 protein (p.Thr1112Met). This variant is present in population databases (rs576204286, gnomAD 0.09%). This variant has not been reported in the literature in individuals affected with MSH3-related conditions. ClinVar contains an entry for this variant (Variation ID: 661554). An algorithm developed to predict the effect of missense changes on protein structure and function outputs the following: PolyPhen-2: "Benign". The methionine amino acid residue is found in multiple mammalian species, which suggests that this missense change does not adversely affect protein function. In summary, the available evidence is currently insufficient to determine the role of this variant in disease. Therefore, it has been classified as a Variant of Uncertain Significance.

Quest Diagnostics Nichols Institute San Juan Capistrano
Classification: Uncertain significance. Last evaluated: 2024-11-09. Review status: criteria provided, single submitter. Criteria: Quest Diagnostics criteria. Collection method: clinical testing. Allele origin: unknown.
Comment: The MSH3 c.3335C>T (p.Thr1112Met) variant has been reported in the published literature in individuals with T-lymphoblastic leukemia (PMID: 28157215 (2017)), esophageal cancer (PMID: 30833958 (2019)), and pancreatic cancer (PMID: 32636238 (2020)). The frequency of this variant in the general population, 0.00082 (15/18348 chromosomes in East Asian subpopulation (Genome Aggregation Database)), is higher than would generally be expected for pathogenic variants in this gene. Analysis of this variant using bioinformatics tools for the prediction of the effect of amino acid changes on protein structure and function yielded predictions that this variant is benign. Based on the available information, we are unable to determine the clinical significance of this variant.

Ambry Genetics
Classification: Likely benign for Hereditary cancer-predisposing syndrome. Last evaluated: 2024-06-28. Review status: criteria provided, single submitter. Criteria: Ambry Variant Classification Scheme 2023. Collection method: clinical testing. Allele origin: germline.

Blueprint Genetics
Classification: Likely benign. Last evaluated: 2023-09-19. Review status: criteria provided, single submitter. Criteria: ACMG Guidelines, 2015. Collection method: clinical testing. Allele origin: germline.

GeneDx
Classification: Uncertain significance. Last evaluated: 2023-08-02. Review status: criteria provided, single submitter. Criteria: GeneDx Variant Classification Process June 2021. Collection method: clinical testing. Allele origin: germline.
Comment: In silico analysis supports that this missense variant does not alter protein structure/function; Observed in individuals with esophageal cancer and pancreatic cancer (Deng et al., 2019; Pang et al., 2020); This variant is associated with the following publications: (PMID: 32636238, 30833958)

Sema4
Classification: Uncertain significance for Hereditary cancer-predisposing syndrome. Last evaluated: 2021-07-26. Review status: criteria provided, single submitter. Criteria: Sema4 Curation Guidelines. Collection method: curation. Allele origin: germline.
Comment: To the best of our knowledge, the MSH3 c.3335C>T (p.T1112M) variant has not been reported in individuals with MSH3-related disease. It was observed in 15/18348 chromosomes of the East Asian subpopulation, with no homozygotes, in the large and broad cohorts of the Genome Aggregation Database (PMID: 32461654). The variant has been reported in ClinVar (Variation ID: 661554). In silico tools suggest the impact of the variant on protein function is benign, though these predictions have not been confirmed by functional studies. The evidence is insufficient to meet ACMG/AMP criteria for classifying the variant as benign or pathogenic. Thus, the clinical significance of this variant is currently uncertain.

PreventionGenetics, part of Exact Sciences
Classification: Uncertain significance for MSH3-related condition. Last evaluated: 2024-03-11. Review status: no assertion criteria provided. Collection method: clinical testing. Allele origin: germline. Not counted in ClinVar's aggregate classification.
Comment: The MSH3 c.3335C>T variant is predicted to result in the amino acid substitution p.Thr1112Met. To our knowledge, this variant has not been reported in the literature. This variant is reported in 0.082% of alleles in individuals of East Asian descent in gnomAD and is interpreted as uncertain in ClinVar. At this time, the clinical significance of this variant is uncertain due to the absence of conclusive functional and genetic evidence.

Literature cited by the submitters: PubMed 32620917 (cited by Quest Diagnostics Nichols Institute San Juan Capistrano); PubMed 28157215 (cited by Quest Diagnostics Nichols Institute San Juan Capistrano); PubMed 30833958 (cited by Quest Diagnostics Nichols Institute San Juan Capistrano); PubMed 32636238 (cited by Quest Diagnostics Nichols Institute San Juan Capistrano).